The following is an entry in ClinVar:

ClinVar aggregate classification (germline): Likely pathogenic (1 of 4 stars; one submission).

Conditions:
TJP2-related disorder. Also called: TJP2-related condition.

Submission:

PreventionGenetics, part of Exact Sciences
Classification: Likely pathogenic for TJP2-related condition. Last evaluated: 2025-07-11. Review status: criteria provided, single submitter. Criteria: ACMG Guidelines, 2015. Collection method: clinical testing. Allele origin: germline.
Comment: The TJP2 c.2310delC variant is predicted to result in a frameshift and premature protein termination (p.Thr771Leufs*6). To our knowledge, this variant has not been reported in the literature. This variant is reported in 0.011% of alleles in individuals of African descent in gnomAD. Frameshift variants in TJP2 are expected to be pathogenic. This variant is interpreted as likely pathogenic.

NM_004817.4(TJP2):c.2310del (p.Thr771fs)

Gene: TJP2 (tight junction protein 2; plus strand). Cytogenetic location: 9q21.11.
Variant type: Deletion.
Coding change: c.2310del on transcript NM_004817.4 (MANE Select); coding-DNA position 2310, one base deleted (C; older notation c.2310delC).
Protein change: p.Thr771fs; shifts the reading frame from threonine 771.
Molecular consequence: frameshift variant.
Genome position (GRCh38, 1-based): chr9:69,238,744, C deleted; the last of 2 consecutive C bases (chr9:69,238,743-69,238,744); deleting either gives the same sequence. VCF-style (leftmost placement, unchanged base first): chr9-69238742-TC-T. GRCh37 (hg19) VCF-style: chr9-71853658-TC-T.
Other names: c.2241del, p.Thr748fs (NM_001170414.2, NM_001369871.1); c.2322del, p.Thr775fs (NM_001170415.1, NM_001369874.1, NM_001369875.1); c.2403del, p.Thr802fs (NM_001170416.2); c.2235del, p.Thr746fs (NM_001369870.1); c.2310del, p.Thr771fs (NM_001369872.1, NM_001369873.1, NM_201629.3); short protein forms T746fs, T748fs, T802fs, T771fs, T775fs.
Identifiers: ClinVar variation 4998451 (VCV004998451.1).